The following is an entry in ClinVar:

NM_000377.3(WAS):c.963AGG[1] (p.Gly323del)

Gene: WAS (WASP actin nucleation promoting factor; plus strand). Cytogenetic location: Xp11.23.
Variant type: Microsatellite.
Coding change: c.963AGG[1] on transcript NM_000377.3 (MANE Select); one copy of the 3-base unit AGG starting at c.963; the reference has two copies in a row; one copy, 3 bases deleted.
Protein change: p.Gly323del; deletes glycine 323.
Molecular consequence: inframe deletion.
Genome position (GRCh38, 1-based): chrX:48,688,694-48,688,696, AGG deleted; deleting any 3 consecutive bases within chrX:48,688,690-48,688,696 gives the same sequence; the position shown is the placement nearest the transcript's 3' end. VCF-style (leftmost placement, unchanged base first): chrX-48688689-CGAG-C. GRCh37 (hg19) VCF-style: chrX-48547078-CGAG-C.
Other names: short protein forms G323del.
Identifiers: ClinVar variation 2501743 (VCV002501743.2), dbSNP rs2519286516, ClinGen allele CA2580617036.

ClinVar aggregate classification (germline): Uncertain significance (1 of 4 stars; one submission).

Conditions:
X-linked severe congenital neutropenia (SCNX). Identifiers: Orphanet 86788, MedGen C1845987, MONDO:0010294, OMIM 300299.
Thrombocytopenia 1. Also called: X-Linked Thrombocytopenia (XLT); THROMBOCYTOPENIA, X-LINKED, 1; X-linked thrombocytopenia with normal platelets. Identifiers: Orphanet 268322, Orphanet 852, MedGen C1839163, MONDO:0010743, OMIM 313900.
Wiskott-Aldrich syndrome (WAS). Also called: WISKOTT-ALDRICH SYNDROME 1; Wiskott-aldrich syndrome, somatic; ALDRICH SYNDROME; IMMUNODEFICIENCY 2. Identifiers: Orphanet 906, MedGen C0043194, MONDO:0010518, OMIM 301000.

Submission:

Center for Genomics, Ann and Robert H. Lurie Children's Hospital of Chicago
Classification: Uncertain significance for Wiskott-Aldrich syndrome; X-linked severe congenital neutropenia; Thrombocytopenia 1. Review status: criteria provided, single submitter. Criteria: ACMG Guidelines, 2015. Collection method: clinical testing. Allele origin: germline.
Comment: This variant has not been reported in the literature and is not present in large control databases. Evolutionary conservation and computational predictive tools for this variant are limited or unavailable. This variant represents an in-frame deletion of the glycine at amino acid position 323 and is not predicted to alter the reading frame. However, the effect of this variant on the protein is unclear. In summary, data on this variant is insufficient for disease classification. Therefore, the clinical significance of this variant is uncertain